The following is an entry in ClinVar:

ClinVar aggregate classification (germline): Uncertain significance (1 of 4 stars; one submission).

Conditions:
Peroxisome biogenesis disorder 9B. Also called: PEX7-Related Refsum Disease; PEROXISOME BIOGENESIS DISORDER, PEX7-RELATED, ATYPICAL; Refsum disease, adult, 2. Identifiers: Orphanet 773, MedGen C2749346, MONDO:0013945, OMIM 614879.

gnomAD v4.1: 1 of 1,613,950 alleles (0.000062%); no homozygotes.

Submission:

Labcorp Genetics (formerly Invitae), Labcorp
Classification: Uncertain significance for Peroxisome biogenesis disorder 9B. Last evaluated: 2022-06-03. Review status: criteria provided, single submitter. Criteria: Invitae Variant Classification Sherloc (09022015). Collection method: clinical testing. Allele origin: germline.
Comment: This sequence change replaces glutamine, which is neutral and polar, with glutamic acid, which is acidic and polar, at codon 105 of the PEX7 protein (p.Gln105Glu). This variant is present in population databases (no rsID available, gnomAD 0.007%). This variant has not been reported in the literature in individuals affected with PEX7-related conditions. Algorithms developed to predict the effect of missense changes on protein structure and function (SIFT, PolyPhen-2, Align-GVGD) all suggest that this variant is likely to be tolerated. In summary, the available evidence is currently insufficient to determine the role of this variant in disease. Therefore, it has been classified as a Variant of Uncertain Significance.

NM_000288.4(PEX7):c.313C>G (p.Gln105Glu)

Gene: PEX7 (peroxisomal biogenesis factor 7; plus strand). Cytogenetic location: 6q23.3.
Variant type: single nucleotide variant.
Coding change: c.313C>G on transcript NM_000288.4 (MANE Select); coding-DNA position 313, C replaced by G.
Protein change: p.Gln105Glu; replaces glutamine 105 with glutamic acid.
Molecular consequence: missense variant.
Genome position (GRCh38, 1-based): chr6:136,826,443, C>G. VCF-style: chr6-136826443-C-G. GRCh37 (hg19) VCF-style: chr6-137147581-C-G.
Other names: c.199C>G, p.Gln67Glu (NM_001410945.1); short protein forms Q105E, Q67E.
Identifiers: ClinVar variation 2002238 (VCV002002238.1), dbSNP rs372623057, ClinGen allele CA365855981.